The following is an entry in ClinVar:

NM_000246.4(CIITA):c.635T>C (p.Phe212Ser)

Gene: CIITA (class II major histocompatibility complex transactivator; plus strand). Cytogenetic location: 16p13.13.
Variant type: single nucleotide variant.
Coding change: c.635T>C on transcript NM_000246.4 (MANE Select); coding-DNA position 635, T replaced by C.
Protein change: p.Phe212Ser; replaces phenylalanine 212 with serine.
Molecular consequence: missense variant. On other transcripts: non-coding transcript variant (1).
Genome position (GRCh38, 1-based): chr16:10,902,664, T>C. VCF-style: chr16-10902664-T-C. GRCh37 (hg19) VCF-style: chr16-10996521-T-C.
Other names: c.638T>C, p.Phe213Ser (NM_001286402.1, NM_001379332.1); c.488T>C, p.Phe163Ser (NM_001286403.2, NM_001379331.1); c.491T>C, p.Phe164Ser (NM_001379330.1); c.635T>C, p.Phe212Ser (NM_001379333.1); c.566T>C, p.Phe189Ser (NM_001379334.1); short protein forms F212S, F164S, F163S, F189S, F213S.
Identifiers: ClinVar variation 1500256 (VCV001500256.5), dbSNP rs2144580744, ClinGen allele CA394728525.
Genomic context (GRCh38, chr16:10,902,664, plus strand): 5'-TCGCAAACACAGGTGCTATGCAAGATCCCACCTCACTGCCTTTGTCTCTTGCAGTGCCTT[T>C]CTCCAGTTCCTCGTTGAGCTGCCTGAATCTCCCTGAGGGACCCATCCAGTTTGTCCCCAC-3'
Protein context (NP_000237.2, residues 202-222): LEKTDQIPMP[Phe212Ser]SSSSLSCLNL

ClinVar aggregate classification (germline): Uncertain significance (1 of 4 stars; one submission).

Conditions:
MHC class II deficiency. Also called: Bare lymphocyte syndrome 2; BLS, TYPE II. Identifiers: Orphanet 572, MedGen C5447452, MONDO:0008855.

Submission:

Labcorp Genetics (formerly Invitae), Labcorp
Classification: Uncertain significance for MHC class II deficiency. Last evaluated: 2022-07-17. Review status: criteria provided, single submitter. Criteria: Invitae Variant Classification Sherloc (09022015). Collection method: clinical testing. Allele origin: germline.
Comment: This sequence change replaces phenylalanine, which is neutral and non-polar, with serine, which is neutral and polar, at codon 212 of the CIITA protein (p.Phe212Ser). This variant is not present in population databases (gnomAD no frequency). This variant has not been reported in the literature in individuals affected with CIITA-related conditions. ClinVar contains an entry for this variant (Variation ID: 1500256). Algorithms developed to predict the effect of missense changes on protein structure and function output the following: SIFT: "Tolerated"; PolyPhen-2: "Benign"; Align-GVGD: "Class C0". The serine amino acid residue is found in multiple mammalian species, which suggests that this missense change does not adversely affect protein function. In summary, the available evidence is currently insufficient to determine the role of this variant in disease. Therefore, it has been classified as a Variant of Uncertain Significance.